The following is an entry in ClinVar:

ClinVar aggregate classification (germline): Benign/Likely benign. Review status: criteria provided, multiple submitters, no conflicts (2 of 4 stars). 4 submissions from 4 submitters: Benign (1); Likely benign (3). Last evaluated 2025-11-24.

Conditions:
Hereditary cancer-predisposing syndrome. Also called: Hereditary neoplastic syndrome; Neoplastic Syndromes, Hereditary; Tumor predisposition; Hereditary Cancer Syndrome. Identifiers: Orphanet 140162, MedGen C0027672, MeSH D009386, MONDO:0015356.
Oligodontia-cancer predisposition syndrome. Also called: TOOTH AGENESIS-COLORECTAL CANCER SYNDROME. Identifiers: Orphanet 300576, MedGen C1837750, MONDO:0012075, OMIM 608615. Disease mechanism: loss of function.

Allele frequency attached by ClinVar (database versions not stated): ExAC 0.00001; gnomAD exomes 0.00001; TOPMed 0.00002; ESP Exome Variant Server 0.00008.

Submissions (4):

Labcorp Genetics (formerly Invitae), Labcorp
Classification: Likely benign for Oligodontia-cancer predisposition syndrome. Last evaluated: 2025-11-24. Review status: criteria provided, single submitter. Criteria: Invitae Variant Classification Sherloc (09022015). Collection method: clinical testing. Allele origin: germline.

Myriad Genetics, Inc.
Classification: Benign for Oligodontia-cancer predisposition syndrome. Last evaluated: 2024-06-28. Review status: criteria provided, single submitter. Criteria: Myriad Autosomal Dominant, Autosomal Recessive and X-Linked Classification Criteria (2023). Collection method: clinical testing. Allele origin: unknown.
Comment: This variant is considered benign. This variant is a silent/synonymous amino acid change and it is not expected to impact splicing.

GeneDx
Classification: Likely benign. Last evaluated: 2021-02-18. Review status: criteria provided, single submitter. Criteria: GeneDx Variant Classification Process June 2021. Collection method: clinical testing. Allele origin: germline. Affected: yes.
Comment: This variant is associated with the following publications: (PMID: 26873401)

Ambry Genetics
Classification: Likely benign for Hereditary cancer-predisposing syndrome. Last evaluated: 2019-09-27. Review status: criteria provided, single submitter. Criteria: Ambry Variant Classification Scheme 2023. Collection method: clinical testing. Allele origin: germline.

NM_004655.4(AXIN2):c.924G>A (p.Thr308=)

Gene: AXIN2 (axin 2; minus strand). Cytogenetic location: 17q24.1.
Variant type: single nucleotide variant.
Coding change: c.924G>A on transcript NM_004655.4 (MANE Select); coding-DNA position 924, G replaced by A.
Protein change: p.Thr308=; no amino-acid change (threonine 308 retained).
Molecular consequence: synonymous variant.
Genome position (GRCh38, 1-based): chr17:65,549,552, C>T on the plus strand (G>A on the coding strand, the complement: AXIN2 is on the minus strand). VCF-style: chr17-65549552-C-T. GRCh37 (hg19) VCF-style: chr17-63545670-C-T.
Other names: c.924G>A, p.Thr308= (NM_001363813.1); c.924G>A (LRG_296t1).
Identifiers: ClinVar variation 533217 (VCV000533217.16), dbSNP rs376829389, ClinGen allele CA8718941.